The following is an entry in ClinVar:

NM_001174150.2(ARL13B):c.629C>T (p.Ala210Val)

Gene: ARL13B (ARF like GTPase 13B; plus strand). Cytogenetic location: 3q11.2.
Variant type: single nucleotide variant.
Coding change: c.629C>T on transcript NM_001174150.2 (MANE Select); coding-DNA position 629, C replaced by T.
Protein change: p.Ala210Val; replaces alanine 210 with valine.
Molecular consequence: missense variant. On other transcripts: non-coding transcript variant (2).
Genome position (GRCh38, 1-based): chr3:94,036,694, C>T. VCF-style: chr3-94036694-C-T. GRCh37 (hg19) VCF-style: chr3-93755538-C-T.
Other names: c.320C>T, p.Ala107Val (NM_001174151.2); c.584C>T, p.Ala195Val (NM_001321328.2); c.629C>T, p.Ala210Val (NM_001410782.1, NM_182896.3); c.308C>T, p.Ala103Val (NM_144996.4); short protein forms A103V, A210V, A107V, A195V.
Identifiers: ClinVar variation 1898813 (VCV001898813.6), dbSNP rs768200171, ClinGen allele CA2504107.
Genomic context (GRCh38, chr3:94,036,694, plus strand): 5'-TTGCAAGAGACTTTGATGCCTTAAATGAACGCATCCAAAAAGAGACAACAGAGCAGCGTG[C>T]TCTTGAGGAACAAGAGAAACAAGAAAGAGCTGAACGAGTGCGAAAATTACGAGAAGAAAG-3'
Protein context (NP_001167621.1, residues 200-220): RIQKETTEQR[Ala210Val]LEEQEKQERA

ClinVar aggregate classification (germline): Uncertain significance. Review status: criteria provided, multiple submitters, no conflicts (2 of 4 stars). 2 submissions from 2 submitters: Uncertain significance (2). Last evaluated 2024-05-22.

Conditions:
Joubert syndrome 8 (JBTS8). Identifiers: Orphanet 475, MedGen C2676771, MONDO:0012855, OMIM 612291.

Allele frequency attached by ClinVar (database versions not stated): ExAC 0.00001; gnomAD exomes 0.00001; gnomAD 0.00004; TOPMed 0.00004.
gnomAD v4.1: 11 of 1,613,828 alleles (0.00068%); highest among the groups gnomAD compares: African/African-American, 0.013%; no homozygotes.

Submissions (2):

Fulgent Genetics
Classification: Uncertain significance for Joubert syndrome 8. Last evaluated: 2024-05-22. Review status: criteria provided, single submitter. Criteria: ACMG Guidelines, 2015. Collection method: clinical testing. Allele origin: germline.

Labcorp Genetics (formerly Invitae), Labcorp
Classification: Uncertain significance for Joubert syndrome 8. Last evaluated: 2021-12-02. Review status: criteria provided, single submitter. Criteria: Invitae Variant Classification Sherloc (09022015). Collection method: clinical testing. Allele origin: germline.
Comment: This sequence change replaces alanine, which is neutral and non-polar, with valine, which is neutral and non-polar, at codon 210 of the ARL13B protein (p.Ala210Val). This variant is present in population databases (rs768200171, gnomAD 0.02%). This variant has not been reported in the literature in individuals affected with ARL13B-related conditions. Algorithms developed to predict the effect of missense changes on protein structure and function are either unavailable or do not agree on the potential impact of this missense change (SIFT: "Tolerated"; PolyPhen-2: "Possibly Damaging"; Align-GVGD: "Class C0"). In summary, the available evidence is currently insufficient to determine the role of this variant in disease. Therefore, it has been classified as a Variant of Uncertain Significance.